The following is an entry in ClinVar:

ClinVar aggregate classification (germline): Uncertain significance. Review status: criteria provided, single submitter (1 of 4 stars). 2 submissions from 2 submitters: Uncertain significance (1). 1 of the submissions does not count toward it. Last evaluated 2026-02-13.

Conditions:
Hereditary cancer-predisposing syndrome. Also called: Hereditary Cancer Syndrome; Tumor predisposition; Neoplastic Syndromes, Hereditary; Hereditary neoplastic syndrome. Identifiers: Orphanet 140162, MedGen C0027672, MeSH D009386, MONDO:0015356.
Fanconi anemia (FA). Also called: Fanconi's anemia. Identifiers: Orphanet 84, MedGen C0015625, MeSH D005199, MONDO:0019391.

Submissions (2):

Ambry Genetics
Classification: Uncertain significance for Hereditary cancer-predisposing syndrome. Last evaluated: 2026-02-13. Review status: criteria provided, single submitter. Criteria: Ambry Variant Classification Scheme 2023. Collection method: clinical testing. Allele origin: germline.
Comment: The c.897G>A variant (also known as p.R299R) is located in exon 9 of the FANCC gene. This variant results from a G to A substitution at nucleotide position 897. This nucleotide substitution does not change the arginine at codon 299. This change occurs in the first base pair of coding exon 9. This nucleotide position is highly conserved in available vertebrate species. In silico splice site analysis for this alteration is inconclusive. Since supporting evidence is limited at this time, the clinical significance of this alteration remains unclear.

Natera, Inc.
Classification: Uncertain significance for Fanconi anemia. Last evaluated: 2020-02-21. Review status: no assertion criteria provided. Collection method: clinical testing. Allele origin: germline. Not counted in ClinVar's aggregate classification.

NM_000136.3(FANCC):c.897G>A (p.Arg299=)

Genes: AOPEP (aminopeptidase O (putative); plus strand), FANCC (FA complementation group C; minus strand). Cytogenetic location: 9q22.32.
Variant type: single nucleotide variant.
Coding change: c.897G>A on transcript NM_000136.3 (MANE Select); coding-DNA position 897, G replaced by A.
Protein change: p.Arg299=; no amino-acid change (arginine 299 retained).
Molecular consequence: synonymous variant.
Genome position (GRCh38, 1-based): chr9:95,125,185, C>T on the plus strand (G>A on the coding strand, the complement: FANCC is on the minus strand). VCF-style: chr9-95125185-C-T. GRCh37 (hg19) VCF-style: chr9-97887467-C-T.
Other names: c.897G>A, p.Arg299= (NM_001243743.2, NM_001243744.2).
Identifiers: ClinVar variation 822864 (VCV000822864.6), dbSNP rs759083348, ClinGen allele CA466099870.